The following is an entry in ClinVar:

NM_002474.3(MYH11):c.4484C>T (p.Ala1495Val)

Genes: MYH11 (myosin heavy chain 11; minus strand), NDE1 (nudE neurodevelopment protein 1; plus strand). Cytogenetic location: 16p13.11.
Variant type: single nucleotide variant.
Coding change: c.4484C>T on transcript NM_002474.3 (MANE Select); coding-DNA position 4484, C replaced by T.
Protein change: p.Ala1495Val; replaces alanine 1495 with valine.
Molecular consequence: missense variant. On other transcripts: intron variant (2).
Genome position (GRCh38, 1-based): chr16:15,721,516, G>A on the plus strand (C>T on the coding strand, the complement: MYH11 is on the minus strand). VCF-style: chr16-15721516-G-A. GRCh37 (hg19) VCF-style: chr16-15815373-G-A.
Other names: c.4505C>T, p.Ala1502Val (NM_001040113.2, NM_001040114.2); c.4484C>T, p.Ala1495Val (NM_022844.3); c.948-2675G>A (NM_001143979.2, NM_017668.3); short protein forms A1502V, A1495V.
Identifiers: ClinVar variation 405470 (VCV000405470.9), dbSNP rs907051668, ClinGen allele CA16614659.

ClinVar aggregate classification (germline): Uncertain significance. Review status: criteria provided, multiple submitters, no conflicts (2 of 4 stars). 2 submissions from 2 submitters: Uncertain significance (2). Last evaluated 2024-01-12.

Conditions:
Familial thoracic aortic aneurysm and aortic dissection (TAAD). Also called: Thoracic aortic aneurysms and dissections. Identifiers: Orphanet 91387, MedGen C4707243, MONDO:0019625.
Aortic aneurysm, familial thoracic 4 (AAT4). Also called: AORTIC ANEURYSM/AORTIC DISSECTION AND PATENT DUCTUS ARTERIOSUS. Identifiers: MedGen C1851504, MONDO:0007568, OMIM 132900.

Allele frequency attached by ClinVar (database versions not stated): gnomAD exomes 0.00001.
gnomAD v4.1: 7 of 1,614,184 alleles (0.00043%); highest among the groups gnomAD compares: Non-Finnish European, 0.00051%; no homozygotes.

Submissions (2):

Ambry Genetics
Classification: Uncertain significance for Familial thoracic aortic aneurysm and aortic dissection. Last evaluated: 2024-01-12. Review status: criteria provided, single submitter. Criteria: Ambry Variant Classification Scheme 2023. Collection method: clinical testing. Allele origin: germline.
Comment: The p.A1495V variant (also known as c.4484C>T), located in coding exon 31 of the MYH11 gene, results from a C to T substitution at nucleotide position 4484. The alanine at codon 1495 is replaced by valine, an amino acid with similar properties. This amino acid position is conserved. In addition, this alteration is predicted to be tolerated by in silico analysis. Since supporting evidence is limited at this time, the clinical significance of this alteration remains unclear.

Labcorp Genetics (formerly Invitae), Labcorp
Classification: Uncertain significance for Aortic aneurysm, familial thoracic 4. Last evaluated: 2016-10-31. Review status: criteria provided, single submitter. Criteria: Invitae Variant Classification Sherloc (09022015). Collection method: clinical testing. Allele origin: germline.
Comment: This sequence change replaces alanine with valine at codon 1502 of the MYH11 protein (p.Ala1502Val). The alanine residue is highly conserved and there is a small physicochemical difference between alanine and valine. This variant is not present in population databases (ExAC no frequency) and has not been reported in the literature in individuals with a MYH11-related disease. Algorithms developed to predict the effect of missense changes on protein structure and function do not agree on the potential impact of this missense change (SIFT: "Deleterious"; PolyPhen-2: "Benign"; Align-GVGD: "Class C0"). In summary, this variant is a novel missense change with uncertain impact on protein function. It has been classified as a Variant of Uncertain Significance.